The following is an entry in ClinVar:

NM_001113491.2(SEPTIN9):c.544G>A (p.Asp182Asn)

Gene: SEPTIN9 (septin 9; plus strand). Cytogenetic location: 17q25.3.
Variant type: single nucleotide variant.
Coding change: c.544G>A on transcript NM_001113491.2 (MANE Select); coding-DNA position 544, G replaced by A.
Protein change: p.Asp182Asn; replaces aspartic acid 182 with asparagine.
Molecular consequence: missense variant.
Genome position (GRCh38, 1-based): chr17:77,402,526, G>A. VCF-style: chr17-77402526-G-A. GRCh37 (hg19) VCF-style: chr17-75398608-G-A.
Other names: c.52G>A, p.Asp18Asn (NM_001113492.2, NM_001113494.1); c.523G>A, p.Asp175Asn (NM_001113493.2); c.487G>A, p.Asp163Asn (NM_001293695.2); c.490G>A, p.Asp164Asn (NM_006640.5); short protein forms D163N, D164N, D175N, D182N, D18N.
Identifiers: ClinVar variation 1303435 (VCV001303435.2), dbSNP rs748481903, ClinGen allele CA8793237.

ClinVar aggregate classification (germline): Uncertain significance (1 of 4 stars; one submission).

Allele frequency attached by ClinVar (database versions not stated): ExAC 0.00001; gnomAD exomes 0.00001 and 0.00005; TOPMed 0.00001; gnomAD 0.00003.
gnomAD v4.1: 69 of 1,605,564 alleles (0.0043%); highest among the groups gnomAD compares: Middle Eastern, 0.017%; no homozygotes.

Submission:

GeneDx
Classification: Uncertain significance. Last evaluated: 2020-01-31. Review status: criteria provided, single submitter. Criteria: GeneDx Variant Classification Process June 2021. Collection method: clinical testing. Allele origin: germline. Affected: yes.
Comment: In silico analysis supports that this missense variant does not alter protein structure/function; Has not been previously published as pathogenic or benign to our knowledge